The following is an entry in ClinVar:

NM_032137.5(FAM194C):c.513G>A (p.Arg171=)

Gene: FAM194C (family with sequence similarity 194 member C; plus strand). Cytogenetic location: 3p25.1.
Variant type: single nucleotide variant.
Coding change: c.513G>A on transcript NM_032137.5 (MANE Select); coding-DNA position 513, G replaced by A.
Protein change: p.Arg171=; no amino-acid change (arginine 171 retained).
Molecular consequence: synonymous variant.
Genome position (GRCh38, 1-based): chr3:14,684,270, G>A. VCF-style: chr3-14684270-G-A. GRCh37 (hg19) VCF-style: chr3-14725777-G-A.
Other names: c.147G>A, p.Arg49= (NM_001184957.2, NM_001184958.2).
Identifiers: ClinVar variation 2653586 (VCV002653586.24), dbSNP rs769584929, ClinGen allele CA2270506.

ClinVar aggregate classification (germline): Likely benign (1 of 4 stars; one submission).

Allele frequency attached by ClinVar (database versions not stated): ExAC 0.00001.
gnomAD v4.1: 10 of 1,614,150 alleles (0.00062%); highest among the groups gnomAD compares: Non-Finnish European, 0.00085%; no homozygotes.

Submission:

CeGaT Center for Human Genetics Tuebingen
Classification: Likely benign. Last evaluated: 2022-06-01. Review status: criteria provided, single submitter. Criteria: CeGaT Center For Human Genetics Tuebingen Variant Classification Criteria Version 2. Collection method: clinical testing. Allele origin: germline. Affected: yes. Observed: 1 variant allele.
Comment: C3orf20: BP4, BP7